The following is an entry in ClinVar:

NM_172107.4(KCNQ2):c.541G>A (p.Ala181Thr)

Gene: KCNQ2 (potassium voltage-gated channel subfamily Q member 2; minus strand). Cytogenetic location: 20q13.33.
Variant type: single nucleotide variant.
Coding change: c.541G>A on transcript NM_172107.4 (MANE Select); coding-DNA position 541, G replaced by A.
Protein change: p.Ala181Thr; replaces alanine 181 with threonine.
Molecular consequence: missense variant.
Genome position (GRCh38, 1-based): chr20:63,444,808, C>T on the plus strand (G>A on the coding strand, the complement: KCNQ2 is on the minus strand). VCF-style: chr20-63444808-C-T. GRCh37 (hg19) VCF-style: chr20-62076161-C-T.
Other names: c.541G>A, p.Ala181Thr (NM_001382235.1, NM_001439003.1, NM_001439004.1 and 4 more transcripts); short protein forms A181T.
Identifiers: ClinVar variation 5010011 (VCV005010011.1).

ClinVar aggregate classification (germline): Uncertain significance (1 of 4 stars; one submission).

Submission:

GeneDx
Classification: Uncertain significance. Last evaluated: 2026-02-25. Review status: criteria provided, single submitter. Criteria: GeneDx Variant Classification Process June 2021. Collection method: clinical testing. Allele origin: germline.
Comment: Not observed at significant frequency in large population cohorts (gnomAD); In silico analysis supports that this missense variant has a deleterious effect on protein structure/function; This substitution is predicted to be within the transmembrane segment S3; Has not been previously published as pathogenic or benign to our knowledge